The following is an entry in ClinVar:

NM_032043.3(BRIP1):c.184G>T (p.Ala62Ser)

Gene: BRIP1 (BRCA1 interacting DNA helicase 1; minus strand). Cytogenetic location: 17q23.2.
Variant type: single nucleotide variant.
Coding change: c.184G>T on transcript NM_032043.3 (MANE Select); coding-DNA position 184, G replaced by T.
Protein change: p.Ala62Ser; replaces alanine 62 with serine.
Molecular consequence: missense variant.
Genome position (GRCh38, 1-based): chr17:61,859,817, C>A on the plus strand (G>T on the coding strand, the complement: BRIP1 is on the minus strand). VCF-style: chr17-61859817-C-A. GRCh37 (hg19) VCF-style: chr17-59937178-C-A.
Other names: short protein forms A62S.
Identifiers: ClinVar variation 186323 (VCV000186323.17), dbSNP rs786202861, ClinGen allele CA194474.

ClinVar aggregate classification (germline): Uncertain significance. Review status: criteria provided, multiple submitters, no conflicts (2 of 4 stars). 2 submissions from 2 submitters: Uncertain significance (2). Last evaluated 2025-06-14.

Conditions:
Familial cancer of breast. Also called: BREAST CANCER, FAMILIAL; Hereditary breast cancer; hereditary breast carcinoma. Identifiers: Orphanet 227535, MedGen C0346153, MONDO:0016419, OMIM 114480. Disease mechanism: loss of function.
Fanconi anemia complementation group J. Also called: BRIP1-Related Fanconi Anemia. Identifiers: Orphanet 84, MedGen C1836860, MONDO:0012187, OMIM 609054.
Hereditary cancer-predisposing syndrome. Also called: Hereditary Cancer Syndrome; Neoplastic Syndromes, Hereditary; Tumor predisposition; Hereditary neoplastic syndrome. Identifiers: Orphanet 140162, MedGen C0027672, MeSH D009386, MONDO:0015356.

Submissions (2):

Ambry Genetics
Classification: Uncertain significance for Hereditary cancer-predisposing syndrome. Last evaluated: 2025-06-14. Review status: criteria provided, single submitter. Criteria: Ambry Variant Classification Scheme 2023. Collection method: clinical testing. Allele origin: germline.
Comment: The p.A62S variant (also known as c.184G>T), located in coding exon 2 of the BRIP1 gene, results from a G to T substitution at nucleotide position 184. The alanine at codon 62 is replaced by serine, an amino acid with similar properties. This amino acid position is well conserved in available vertebrate species. In addition, this alteration is predicted to be tolerated by in silico analysis. Since supporting evidence is limited at this time, the clinical significance of this alteration remains unclear.

Labcorp Genetics (formerly Invitae), Labcorp
Classification: Uncertain significance for Familial cancer of breast; Fanconi anemia complementation group J. Last evaluated: 2024-07-09. Review status: criteria provided, single submitter. Criteria: Invitae Variant Classification Sherloc (09022015). Collection method: clinical testing. Allele origin: germline.
Comment: This sequence change replaces alanine, which is neutral and non-polar, with serine, which is neutral and polar, at codon 62 of the BRIP1 protein (p.Ala62Ser). This variant is not present in population databases (gnomAD no frequency). This variant has not been reported in the literature in individuals affected with BRIP1-related conditions. ClinVar contains an entry for this variant (Variation ID: 186323). Advanced modeling of protein sequence and biophysical properties (such as structural, functional, and spatial information, amino acid conservation, physicochemical variation, residue mobility, and thermodynamic stability) performed at Invitae indicates that this missense variant is not expected to disrupt BRIP1 protein function with a negative predictive value of 80%. In summary, the available evidence is currently insufficient to determine the role of this variant in disease. Therefore, it has been classified as a Variant of Uncertain Significance.